The following is an entry in ClinVar:

NM_004317.4(GET3):c.[867C>G;913C>T]

Variant type: Haplotype.
Identifiers: ClinVar variation 2443824 (VCV002443824.2).

ClinVar aggregate classification (germline): Pathogenic (0 of 4 stars; one submission).

Conditions:
Cardiomyopathy, dilated, 2H (CMD2H). Identifiers: MedGen C5774296, MONDO:0859358, OMIM 620203.

Submission:

OMIM
Classification: Pathogenic for CARDIOMYOPATHY, DILATED, 2H (1 family). Last evaluated: 2025-01-23. Review status: no assertion criteria provided. Collection method: literature only. Allele origin: germline.

Literature cited by the submitters: PubMed 31461301.